The following is an entry in ClinVar:

NM_173842.3(IL1RN):c.229G>T (p.Glu77Ter)

Gene: IL1RN (interleukin 1 receptor antagonist; plus strand). Cytogenetic location: 2q14.1.
Variant type: single nucleotide variant.
Coding change: c.229G>T on transcript NM_173842.3 (MANE Select); coding-DNA position 229, G replaced by T.
Protein change: p.Glu77Ter; replaces glutamic acid 77 with a stop codon.
Molecular consequence: nonsense.
Genome position (GRCh38, 1-based): chr2:113,131,068, G>T. VCF-style: chr2-113131068-G-T. GRCh37 (hg19) VCF-style: chr2-113888645-G-T.
Other names: c.175G>T, p.Glu59Ter (NM_000577.5); c.127G>T, p.Glu43Ter (NM_001318914.2, NM_001379360.1, NM_173843.3); c.238G>T, p.Glu80Ter (NM_173841.3); short protein forms E77*, E43*, E59*, E80*.
Identifiers: ClinVar variation 14675 (VCV000014675.15), dbSNP rs121913161, ClinGen allele CA124199.

ClinVar aggregate classification (germline): Pathogenic. Review status: criteria provided, multiple submitters, no conflicts (2 of 4 stars). 7 submissions from 7 submitters: Pathogenic (2). 5 of the submissions do not count toward it. Last evaluated 2025-04-24.

Conditions:
Sterile multifocal osteomyelitis with periostitis and pustulosis. Also called: CHRONIC RECURRENT MULTIFOCAL OSTEOMYELITIS 2, WITH PERIOSTITIS AND PUSTULOSIS. Identifiers: Orphanet 210115, MedGen C2748507, MONDO:0013021, OMIM 612852.

Allele frequency attached by ClinVar (database versions not stated): gnomAD 0.00001; ExAC 0.00002; TOPMed 0.00002; gnomAD exomes 0.00003.
gnomAD v4.1: 17 of 1,612,526 alleles (0.0011%); highest among the groups gnomAD compares: Non-Finnish European, 0.0014%; no homozygotes.

Submissions (7):

GeneDx
Classification: Pathogenic. Last evaluated: 2025-04-24. Review status: criteria provided, single submitter. Criteria: GeneDx Variant Classification Process June 2021. Collection method: clinical testing. Allele origin: germline. Affected: yes.
Comment: Also known as E77X; Nonsense variant predicted to result in protein truncation or nonsense mediated decay in a gene for which loss of function is a known mechanism of disease; This variant is associated with the following publications: (PMID: 25525159, 25383745, 27432718, 19494218, 38646532, 21792839)

Labcorp Genetics (formerly Invitae), Labcorp
Classification: Pathogenic for Sterile multifocal osteomyelitis with periostitis and pustulosis. Last evaluated: 2023-10-13. Review status: criteria provided, single submitter. Criteria: Invitae Variant Classification Sherloc (09022015). Collection method: clinical testing. Allele origin: germline.
Comment: This sequence change creates a premature translational stop signal (p.Glu80*) in the IL1RN gene. It is expected to result in an absent or disrupted protein product. Loss-of-function variants in IL1RN are known to be pathogenic (PMID: 19494218, 21792839, 22940634, 26100510). This variant is present in population databases (rs121913161, gnomAD 0.006%). This premature translational stop signal has been observed in individual(s) with interleukin 1 receptor antagonist deficiency (PMID: 19494218). This variant is also known as c.229G>T (E77X). ClinVar contains an entry for this variant (Variation ID: 14675). For these reasons, this variant has been classified as Pathogenic.

OMIM
Classification: Pathogenic for CHRONIC RECURRENT MULTIFOCAL OSTEOMYELITIS 2, WITH PERIOSTITIS AND PUSTULOSIS. Last evaluated: 2009-06-04. Review status: no assertion criteria provided. Collection method: literature only. Allele origin: germline. Not counted in ClinVar's aggregate classification.

Clinical Genetics DNA and cytogenetics Diagnostics Lab, Erasmus MC, Erasmus Medical Center
Classification: Pathogenic. Review status: no assertion criteria provided. Collection method: clinical testing. Allele origin: germline. Affected: yes. Study: VKGL Data-share Consensus. Not counted in ClinVar's aggregate classification.

Genome Diagnostics Laboratory, Amsterdam University Medical Center
Classification: Pathogenic. Review status: no assertion criteria provided. Collection method: clinical testing. Allele origin: germline. Affected: yes. Study: VKGL Data-share Consensus. Not counted in ClinVar's aggregate classification.

Genome Diagnostics Laboratory, University Medical Center Utrecht
Classification: Pathogenic. Review status: no assertion criteria provided. Collection method: clinical testing. Allele origin: germline. Affected: yes. Study: VKGL Data-share Consensus. Not counted in ClinVar's aggregate classification.

Unité médicale des maladies autoinflammatoires, CHRU Montpellier
No classification provided. Review status: no classification provided. Collection method: not provided. Allele origin: unknown. Not counted in ClinVar's aggregate classification.

Literature cited by the submitters: PubMed 19494218 (cited by Labcorp Genetics (formerly Invitae), Labcorp and OMIM); PubMed 21792839 (cited by Labcorp Genetics (formerly Invitae), Labcorp); PubMed 22940634 (cited by Labcorp Genetics (formerly Invitae), Labcorp); PubMed 26100510 (cited by Labcorp Genetics (formerly Invitae), Labcorp).